The following is an entry in ClinVar:

ClinVar aggregate classification (germline): Uncertain significance. Review status: criteria provided, multiple submitters, no conflicts (2 of 4 stars). 2 submissions from 2 submitters: Uncertain significance (2). Last evaluated 2021-09-08.

Allele frequency attached by ClinVar (database versions not stated): gnomAD exomes below 0.00001.
gnomAD v4.1: 1 of 1,614,062 alleles (0.000062%); highest among the groups gnomAD compares: Non-Finnish European, 0.000085%; no homozygotes.

Submissions (2):

Labcorp Genetics (formerly Invitae), Labcorp
Classification: Uncertain significance. Last evaluated: 2021-09-08. Review status: criteria provided, single submitter. Criteria: Invitae Variant Classification Sherloc (09022015). Collection method: clinical testing. Allele origin: germline.
Comment: This sequence change replaces aspartic acid with glycine at codon 832 of the ABCA4 protein (p.Asp832Gly). The aspartic acid residue is highly conserved and there is a moderate physicochemical difference between aspartic acid and glycine. This variant is not present in population databases (ExAC no frequency). This variant has not been reported in the literature in individuals affected with ABCA4-related conditions. Algorithms developed to predict the effect of missense changes on protein structure and function (SIFT, PolyPhen-2, Align-GVGD) all suggest that this variant is likely to be disruptive. In summary, the available evidence is currently insufficient to determine the role of this variant in disease. Therefore, it has been classified as a Variant of Uncertain Significance.

Blueprint Genetics
Classification: Uncertain significance. Last evaluated: 2019-11-08. Review status: criteria provided, single submitter. Criteria: ACMG Guidelines, 2015. Collection method: clinical testing. Allele origin: germline.

NM_000350.3(ABCA4):c.2495A>G (p.Asp832Gly)

Gene: ABCA4 (ATP binding cassette subfamily A member 4; minus strand). Cytogenetic location: 1p22.1.
Variant type: single nucleotide variant.
Coding change: c.2495A>G on transcript NM_000350.3 (MANE Select); coding-DNA position 2495, A replaced by G.
Protein change: p.Asp832Gly; replaces aspartic acid 832 with glycine.
Molecular consequence: missense variant.
Genome position (GRCh38, 1-based): chr1:94,055,203, T>C on the plus strand (A>G on the coding strand, the complement: ABCA4 is on the minus strand). VCF-style: chr1-94055203-T-C. GRCh37 (hg19) VCF-style: chr1-94520759-T-C.
Other names: c.2273A>G, p.Asp758Gly (NM_001425324.1); short protein forms D832G, D758G.
Identifiers: ClinVar variation 942000 (VCV000942000.8), dbSNP rs1660941624, ClinGen allele CA341276966.
Genomic context (GRCh38, chr1:94,055,203, plus strand): 5'-AAGCCATAGACAGCAGCATCAAGGAGCATCATCTGCATGGACAGCAGGAAGCTGAATTCG[T>C]CCCCTTCCGTGGGACTGTTCCCGATGTTGCTCCACTGCAGCCCCAGGCCTTGCTCTTCAA-3'
Protein context (NP_000341.2, residues 822-842): SNIGNSPTEG[Asp832Gly]EFSFLLSMQM